The following is an entry in ClinVar:

NM_004618.5(TOP3A):c.1431T>C (p.Tyr477=)

Gene: TOP3A (DNA topoisomerase III alpha; minus strand). Cytogenetic location: 17p11.2.
Variant type: single nucleotide variant.
Coding change: c.1431T>C on transcript NM_004618.5 (MANE Select); coding-DNA position 1431, T replaced by C.
Protein change: p.Tyr477=; no amino-acid change (tyrosine 477 retained).
Molecular consequence: synonymous variant.
Genome position (GRCh38, 1-based): chr17:18,290,878, A>G on the plus strand (T>C on the coding strand, the complement: TOP3A is on the minus strand). VCF-style: chr17-18290878-A-G. GRCh37 (hg19) VCF-style: chr17-18194192-A-G.
Other names: c.1431T>C (NM_004618.4); c.1146T>C, p.Tyr382= (NM_001320759.2).
Identifiers: ClinVar variation 1599702 (VCV001599702.36), dbSNP rs142931237, ClinGen allele CA8429921.

ClinVar aggregate classification (germline): Benign/Likely benign. Review status: criteria provided, multiple submitters, no conflicts (2 of 4 stars). 6 submissions from 6 submitters: Benign (2); Likely benign (3). 1 of the submissions does not count toward it. Last evaluated 2025-12-15.

Conditions:
TOP3A-related disorder. Also called: TOP3A-related condition; TOP3A-related disorders.

Allele frequency attached by ClinVar (database versions not stated): ESP Exome Variant Server 0.00038; gnomAD 0.00038 and 0.00043; TOPMed 0.00042; gnomAD exomes 0.00048 and 0.00068; 1000 Genomes Project 0.00060; 1000 Genomes Project 30x 0.00078; ExAC 0.00087.
gnomAD v4.1: 776 of 1,614,226 alleles (0.048%); highest among the groups gnomAD compares: Middle Eastern, 0.16%; 3 homozygotes.

Submissions (6):

Labcorp Genetics (formerly Invitae), Labcorp
Classification: Benign. Last evaluated: 2025-12-15. Review status: criteria provided, single submitter. Criteria: Invitae Variant Classification Sherloc (09022015). Collection method: clinical testing. Allele origin: germline.

Laboratory of Genetics, Children's Clinical University Hospital Latvia
Classification: Likely benign. Last evaluated: 2025-02-16. Review status: criteria provided, single submitter. Criteria: ACMG Guidelines, 2015. Collection method: clinical testing. Allele origin: germline. Affected: yes.

Blueprint Genetics
Classification: Likely benign. Last evaluated: 2024-11-20. Review status: criteria provided, single submitter. Criteria: ACMG Guidelines, 2015. Collection method: clinical testing. Allele origin: germline.

CeGaT Center for Human Genetics Tuebingen
Classification: Likely benign. Last evaluated: 2023-10-01. Review status: criteria provided, single submitter. Criteria: CeGaT Center For Human Genetics Tuebingen Variant Classification Criteria Version 2. Collection method: clinical testing. Allele origin: germline. Affected: yes. Observed: 2 variant alleles.
Comment: TOP3A: BP4, BP7

Breakthrough Genomics
Classification: Benign. Review status: criteria provided, single submitter. Criteria: ACMG Guidelines, 2015. Collection method: not provided. Allele origin: germline. Inheritance: Autosomal recessive inheritance. Affected: yes.

PreventionGenetics, part of Exact Sciences
Classification: Likely benign for TOP3A-related condition. Last evaluated: 2020-03-13. Review status: no assertion criteria provided. Collection method: clinical testing. Allele origin: germline. Not counted in ClinVar's aggregate classification.
Comment: This variant is classified as likely benign based on ACMG/AMP sequence variant interpretation guidelines (Richards et al. 2015 PMID: 25741868, with internal and published modifications).